The following is an entry in ClinVar:

ClinVar aggregate classification (germline): Likely benign. Review status: criteria provided, multiple submitters, no conflicts (2 of 4 stars). 2 submissions from 2 submitters: Likely benign (2). Last evaluated 2025-04-10.

Conditions:
Arrhythmogenic right ventricular dysplasia 10. Also called: ARRHYTHMOGENIC RIGHT VENTRICULAR DYSPLASIA, FAMILIAL, 10; Arrhythmogenic Right Ventricular Dysplasia/Cardiomyopathy10; Arrhythmogenic right ventricular dysplasia/cardiomyopathy, type 10. Identifiers: MedGen C1857777, MONDO:0012434, OMIM 610193.
Arrhythmogenic right ventricular cardiomyopathy (ARVD). Also called: Arrhythmogenic right ventricular dysplasia; Cardiomyopathy, ARVC; Arrhythmogenic cardiomyopathy; Arrhythmogenic Right Ventricular Cardiomyopathy (ARVC). Identifiers: Orphanet 247, MedGen C0349788, MeSH D019571, MONDO:0016587. Disease mechanism: loss of function. Inheritance: Various modes of inheritance.

Allele frequency attached by ClinVar (database versions not stated): gnomAD 0.00001.
gnomAD v4.1: 2 of 1,613,826 alleles (0.00012%); highest among the groups gnomAD compares: African/African-American, 0.0027%; no homozygotes.

Submissions (2):

Labcorp Genetics (formerly Invitae), Labcorp
Classification: Likely benign for Arrhythmogenic right ventricular dysplasia 10. Last evaluated: 2025-04-10. Review status: criteria provided, single submitter. Criteria: Invitae Variant Classification Sherloc (09022015). Collection method: clinical testing. Allele origin: germline.

All of Us Research Program, National Institutes of Health
Classification: Likely benign for Arrhythmogenic right ventricular cardiomyopathy. Last evaluated: 2023-07-19. Review status: criteria provided, single submitter. Criteria: ACMG Guidelines, 2015. Collection method: clinical testing. Allele origin: germline. Inheritance: Autosomal dominant inheritance. Observed: 1 variant allele, 1 heterozygote.
Comment: This study involves interpretation of variants in research participants for the purpose of population health screening. Participant phenotype was not available at the time of variant classification. Additional details can be found in publication PMID: 35346344, PMCID: PMC8962531

NM_001943.5(DSG2):c.2799G>T (p.Val933=)

Genes: DSG2 (desmoglein 2; plus strand), DSG2-AS1 (DSG2 antisense RNA 1; minus strand). Cytogenetic location: 18q12.1.
Variant type: single nucleotide variant.
Coding change: c.2799G>T on transcript NM_001943.5 (MANE Select); coding-DNA position 2799, G replaced by T.
Protein change: p.Val933=; no amino-acid change (valine 933 retained).
Molecular consequence: synonymous variant.
Genome position (GRCh38, 1-based): chr18:31,546,185, G>T. VCF-style: chr18-31546185-G-T. GRCh37 (hg19) VCF-style: chr18-29126148-G-T.
Identifiers: ClinVar variation 3003063 (VCV003003063.4), dbSNP rs758038429, ClinGen allele CA047226.